The following is an entry in ClinVar:

NM_000136.3(FANCC):c.460del (p.Val154fs)

Gene: FANCC (FA complementation group C; minus strand). Cytogenetic location: 9q22.32.
Variant type: Deletion.
Coding change: c.460del on transcript NM_000136.3 (MANE Select); coding-DNA position 460, one base deleted (G; older notation c.460delG).
Protein change: p.Val154fs; shifts the reading frame from valine 154.
Molecular consequence: frameshift variant.
Genome position (GRCh38, 1-based): chr9:95,171,140, C deleted on the plus strand (G on the coding strand, the reverse complement: FANCC is on the minus strand); the first of 2 consecutive C bases (chr9:95,171,140-95,171,141); deleting either gives the same sequence. VCF-style (leftmost placement, unchanged base first): chr9-95171139-AC-A. GRCh37 (hg19) VCF-style: chr9-97933421-AC-A.
Other names: c.460del, p.Val154fs (NM_001243743.2, NM_001243744.2); c.460delG (NM_000136.2); short protein forms V154fs.
Identifiers: ClinVar variation 1073535 (VCV001073535.10), dbSNP rs1825653076, ClinGen allele CA466274877.

ClinVar aggregate classification (germline): Pathogenic/Likely pathogenic. Review status: criteria provided, multiple submitters, no conflicts (2 of 4 stars). 4 submissions from 4 submitters: Pathogenic (1); Likely pathogenic (3). Last evaluated 2026-02-01.

Conditions:
Fanconi anemia complementation group C (FANCC). Also called: FANCONI PANCYTOPENIA, TYPE 3; FACC; Fanconi anemia, group C; FANCC-Related Fanconi Anemia. Identifiers: Orphanet 84, MedGen C3468041, MONDO:0009213, OMIM 227645.
Fanconi anemia (FA). Also called: Fanconi's anemia. Identifiers: Orphanet 84, MedGen C0015625, MeSH D005199, MONDO:0019391.

Submissions (4):

Otogenetics
Classification: Likely pathogenic for Fanconi anemia complementation group C. Last evaluated: 2026-02-01. Review status: criteria provided, single submitter. Criteria: ACMG Guidelines, 2015. Collection method: clinical testing. Allele origin: germline.

Natera, Inc.
Classification: Likely pathogenic for Fanconi anemia. Last evaluated: 2025-10-07. Review status: criteria provided, single submitter. Criteria: Natera Variant Classification Schema (03/2026). Collection method: clinical testing. Allele origin: germline.
Comment: The c.460delG variant in FANCC is a frameshift variant predicted to shift the reading frame beginning at codon 154 and leads to a stop codon 4 codons downstream. This variant is expected to result in nonsense mediated decay, truncation, or a dysfunctional protein product. This variant is rare in the general population with a frequency below the threshold expected for the associated phenotype(s). Given the available evidence, this variant is classified as Likely Pathogenic.

Labcorp Genetics (formerly Invitae), Labcorp
Classification: Pathogenic for Fanconi anemia. Last evaluated: 2023-07-19. Review status: criteria provided, single submitter. Criteria: Invitae Variant Classification Sherloc (09022015). Collection method: clinical testing. Allele origin: germline.
Comment: This sequence change creates a premature translational stop signal (p.Val154Phefs*4) in the FANCC gene. It is expected to result in an absent or disrupted protein product. Loss-of-function variants in FANCC are known to be pathogenic (PMID: 17924555). This variant is not present in population databases (gnomAD no frequency). This variant has not been reported in the literature in individuals affected with FANCC-related conditions. ClinVar contains an entry for this variant (Variation ID: 1073535). For these reasons, this variant has been classified as Pathogenic.

Fulgent Genetics
Classification: Likely pathogenic for Fanconi anemia complementation group C. Last evaluated: 2021-10-15. Review status: criteria provided, single submitter. Criteria: ACMG Guidelines, 2015. Collection method: clinical testing. Allele origin: unknown.

Literature cited by the submitters: PVS1: Frameshift indel introduces premature stop codon in gene with loss of function as mechanism of disease, predicted to undergo NMD (cited by Otogenetics); PM2: Variant not observed in gnomAD (<0.05% threshold) (cited by Otogenetics); PubMed 17924555 (cited by Labcorp Genetics (formerly Invitae), Labcorp).